The following is an entry in ClinVar:

ClinVar aggregate classification (germline): Uncertain significance. Review status: criteria provided, multiple submitters, no conflicts (2 of 4 stars). 3 submissions from 3 submitters: Uncertain significance (2). 1 of the submissions does not count toward it. Last evaluated 2025-07-02.

Conditions:
Inborn genetic diseases. Identifiers: MedGen C0950123, MeSH D030342.
Late-infantile neuronal ceroid lipofuscinosis. Also called: Jansky-Bielschowsky disease. Identifiers: MedGen C0022340, MONDO:0015674.
Neuronal ceroid lipofuscinosis 7 (CLN7). Also called: MFSD8-Related Neuronal Ceroid-Lipofuscinosis. Identifiers: Orphanet 168491, Orphanet 228366, MedGen C1838571, MONDO:0012588, OMIM 610951.

Allele frequency attached by ClinVar (database versions not stated): gnomAD exomes below 0.00001; TOPMed below 0.00001.

Submissions (3):

Ambry Genetics
Classification: Uncertain significance for Inborn genetic diseases. Last evaluated: 2025-07-02. Review status: criteria provided, single submitter. Criteria: Ambry Variant Classification Scheme 2023. Collection method: clinical testing. Allele origin: germline.

Labcorp Genetics (formerly Invitae), Labcorp
Classification: Uncertain significance for Neuronal ceroid lipofuscinosis 7. Last evaluated: 2022-08-22. Review status: criteria provided, single submitter. Criteria: Invitae Variant Classification Sherloc (09022015). Collection method: clinical testing. Allele origin: germline.
Comment: This sequence change replaces serine, which is neutral and polar, with cysteine, which is neutral and slightly polar, at codon 50 of the MFSD8 protein (p.Ser50Cys). This variant is present in population databases (no rsID available, gnomAD 0.003%). This variant has not been reported in the literature in individuals affected with MFSD8-related conditions. ClinVar contains an entry for this variant (Variation ID: 1039949). Algorithms developed to predict the effect of missense changes on protein structure and function are either unavailable or do not agree on the potential impact of this missense change (SIFT: "Deleterious"; PolyPhen-2: "Probably Damaging"; Align-GVGD: "Class C0"). In summary, the available evidence is currently insufficient to determine the role of this variant in disease. Therefore, it has been classified as a Variant of Uncertain Significance.

Natera, Inc.
Classification: Uncertain significance for Late-infantile neuronal ceroid lipofuscinosis. Last evaluated: 2021-01-21. Review status: no assertion criteria provided. Collection method: clinical testing. Allele origin: germline. Not counted in ClinVar's aggregate classification.

NM_001371596.2(MFSD8):c.148A>T (p.Ser50Cys)

Gene: MFSD8 (major facilitator superfamily domain containing 8; minus strand). Cytogenetic location: 4q28.2.
Variant type: single nucleotide variant.
Coding change: c.148A>T on transcript NM_001371596.2 (MANE Select); coding-DNA position 148, A replaced by T.
Protein change: p.Ser50Cys; replaces serine 50 with cysteine.
Molecular consequence: missense variant.
Genome position (GRCh38, 1-based): chr4:127,957,507, T>A on the plus strand (A>T on the coding strand, the complement: MFSD8 is on the minus strand). VCF-style: chr4-127957507-T-A. GRCh37 (hg19) VCF-style: chr4-128878662-T-A.
Other names: c.148A>T, p.Ser50Cys (NM_001363520.3, NM_001363521.3, NM_001371591.2 and 5 more transcripts); c.148A>T (NM_152778.2); c.13A>T, p.Ser5Cys (NM_001371590.2, NM_001371595.1, NM_001410765.1); short protein forms S5C, S50C.
Identifiers: ClinVar variation 1039949 (VCV001039949.5), dbSNP rs1355810376, ClinGen allele CA358164971.